The following is an entry in ClinVar:

NM_000130.5(F5):c.1853A>C (p.Gln618Pro)

Gene: F5 (coagulation factor V; minus strand). Cytogenetic location: 1q24.2.
Variant type: single nucleotide variant.
Coding change: c.1853A>C on transcript NM_000130.5 (MANE Select); coding-DNA position 1853, A replaced by C.
Protein change: p.Gln618Pro; replaces glutamine 618 with proline.
Molecular consequence: missense variant.
Genome position (GRCh38, 1-based): chr1:169,544,418, T>G on the plus strand (A>C on the coding strand, the complement: F5 is on the minus strand). VCF-style: chr1-169544418-T-G. GRCh37 (hg19) VCF-style: chr1-169513656-T-G.
Other names: short protein forms Q618P.
Identifiers: ClinVar variation 2561203 (VCV002561203.2), dbSNP rs575432414, ClinGen allele CA1234217.

ClinVar aggregate classification (germline): Uncertain significance (1 of 4 stars; one submission).

Conditions:
Inborn genetic diseases. Identifiers: MedGen C0950123, MeSH D030342.

Allele frequency attached by ClinVar (database versions not stated): TOPMed below 0.00001; gnomAD 0.00002; gnomAD exomes 0.00002; ExAC 0.00003; 1000 Genomes Project 30x 0.00031; 1000 Genomes Project 0.00040.
gnomAD v4.1: 28 of 1,614,184 alleles (0.0017%); highest among the groups gnomAD compares: South Asian, 0.027%; no homozygotes.

Submission:

Ambry Genetics
Classification: Uncertain significance for Inborn genetic diseases. Last evaluated: 2023-03-29. Review status: criteria provided, single submitter. Criteria: Ambry Variant Classification Scheme 2023. Collection method: clinical testing. Allele origin: germline.
Comment: The p.Q618P variant (also known as c.1853A>C), located in coding exon 12 of the F5 gene, results from an A to C substitution at nucleotide position 1853. The glutamine at codon 618 is replaced by proline, an amino acid with similar properties. This amino acid position is conserved. In addition, the in silico prediction for this alteration is inconclusive. Since supporting evidence is limited at this time, the clinical significance of this alteration remains unclear.